The following is an entry in ClinVar:

ClinVar aggregate classification (germline): Uncertain significance (1 of 4 stars; one submission).

Submission:

Labcorp Genetics (formerly Invitae), Labcorp
Classification: Uncertain significance. Last evaluated: 2021-06-06. Review status: criteria provided, single submitter. Criteria: Invitae Variant Classification Sherloc (09022015). Collection method: clinical testing. Allele origin: germline.
Comment: In summary, the available evidence is currently insufficient to determine the role of this variant in disease. Therefore, it has been classified as a Variant of Uncertain Significance. This sequence change replaces glutamic acid with glutamine at codon 40 of the CFB protein (p.Glu40Gln). The glutamic acid residue is moderately conserved and there is a small physicochemical difference between glutamic acid and glutamine. This variant is not present in population databases (ExAC no frequency). This variant has not been reported in the literature in individuals with CFB-related conditions. Algorithms developed to predict the effect of missense changes on protein structure and function (SIFT, PolyPhen-2, Align-GVGD) all suggest that this variant is likely to be tolerated, but these predictions have not been confirmed by published functional studies and their clinical significance is uncertain.

NM_001710.6(CFB):c.118G>C (p.Glu40Gln)

Gene: CFB (complement factor B; plus strand). Cytogenetic location: 6p21.33.
Variant type: single nucleotide variant.
Coding change: c.118G>C on transcript NM_001710.6 (MANE Select); coding-DNA position 118, G replaced by C.
Protein change: p.Glu40Gln; replaces glutamic acid 40 with glutamine.
Molecular consequence: missense variant.
Genome position (GRCh38, 1-based): chr6:31,946,426, G>C. VCF-style: chr6-31946426-G-C. GRCh37 (hg19) VCF-style: chr6-31914203-G-C.
Other names: short protein forms E40Q.
Identifiers: ClinVar variation 1376133 (VCV001376133.8), dbSNP rs1271096223, ClinGen allele CA363388098.